The following is an entry in ClinVar:

NM_006059.4(LAMC3):c.2987G>A (p.Arg996His)

Gene: LAMC3 (laminin subunit gamma 3; plus strand). Cytogenetic location: 9q34.12.
Variant type: single nucleotide variant.
Coding change: c.2987G>A on transcript NM_006059.4 (MANE Select); coding-DNA position 2987, G replaced by A.
Protein change: p.Arg996His; replaces arginine 996 with histidine.
Molecular consequence: missense variant.
Genome position (GRCh38, 1-based): chr9:131,069,768, G>A. VCF-style: chr9-131069768-G-A. GRCh37 (hg19) VCF-style: chr9-133945155-G-A.
Other names: short protein forms R996H.
Identifiers: ClinVar variation 435738 (VCV000435738.40), dbSNP rs113785045, ClinGen allele CA5287640.

ClinVar aggregate classification (germline): Conflicting classifications of pathogenicity. Review status: criteria provided, conflicting classifications (1 of 4 stars). 6 submissions from 6 submitters: Uncertain significance (1); Likely benign (4). 1 of the submissions does not count toward it. Last evaluated 2026-01-26.

Conditions:
LAMC3-related disorder. Also called: LAMC3-related condition.
Inborn genetic diseases. Identifiers: MedGen C0950123, MeSH D030342.

Allele frequency attached by ClinVar (database versions not stated): gnomAD 0.00063 and 0.00059; ExAC 0.00066; ESP Exome Variant Server 0.00100; gnomAD exomes 0.00034; TOPMed 0.00056.
gnomAD v4.1: 397 of 1,595,748 alleles (0.025%); highest among the groups gnomAD compares: African/African-American, 0.18%; 2 homozygotes.

Submissions (6):

Labcorp Genetics (formerly Invitae), Labcorp
Classification: Likely benign. Last evaluated: 2026-01-26. Review status: criteria provided, single submitter. Criteria: Invitae Variant Classification Sherloc (09022015). Collection method: clinical testing. Allele origin: germline.

CeGaT Center for Human Genetics Tuebingen
Classification: Likely benign. Last evaluated: 2024-01-01. Review status: criteria provided, single submitter. Criteria: CeGaT Center For Human Genetics Tuebingen Variant Classification Criteria Version 2. Collection method: clinical testing. Allele origin: germline. Affected: yes. Observed: 1 variant allele.
Comment: LAMC3: BP4

Ambry Genetics
Classification: Likely benign for Inborn genetic diseases. Last evaluated: 2021-09-01. Review status: criteria provided, single submitter. Criteria: Ambry Variant Classification Scheme 2023. Collection method: clinical testing. Allele origin: germline.

GeneDx
Classification: Likely benign. Last evaluated: 2018-12-13. Review status: criteria provided, single submitter. Criteria: GeneDx Variant Classification Process June 2021. Collection method: clinical testing. Allele origin: germline. Affected: yes.
Comment: This variant is associated with the following publications: (PMID: 30924900)

Genetic Services Laboratory, University of Chicago
Classification: Uncertain significance. Last evaluated: 2017-02-13. Review status: criteria provided, single submitter. Criteria: ACMG Guidelines, 2015. Collection method: clinical testing. Allele origin: germline. Affected: no.

PreventionGenetics, part of Exact Sciences
Classification: Likely benign for LAMC3-related condition. Last evaluated: 2023-02-24. Review status: no assertion criteria provided. Collection method: clinical testing. Allele origin: germline. Not counted in ClinVar's aggregate classification.
Comment: This variant is classified as likely benign based on ACMG/AMP sequence variant interpretation guidelines (Richards et al. 2015 PMID: 25741868, with internal and published modifications).